The following is an entry in ClinVar:

ClinVar aggregate classification (germline): Likely pathogenic (1 of 4 stars; one submission).

Conditions:
Coffin-Siris syndrome 8. Identifiers: MedGen C5193054, MONDO:0032702, OMIM 618362.

Submission:

Baylor Genetics
Classification: Likely pathogenic for Coffin-Siris syndrome 8. Last evaluated: 2020-11-30. Review status: criteria provided, single submitter. Criteria: ACMG Guidelines, 2015. Collection method: clinical testing. Allele origin: unknown. Affected: yes.
Comment: This variant was determined to be likely pathogenic according to ACMG Guidelines, 2015 [PMID:25741868].

NM_001330288.2(SMARCC2):c.1310+1G>T

Gene: SMARCC2 (SWI/SNF related, matrix associated, actin dependent regulator of chromatin subfamily c member 2; minus strand). Cytogenetic location: 12q13.2.
Variant type: single nucleotide variant.
Coding change: c.1310+1G>T on transcript NM_001330288.2 (MANE Select); the canonical splice donor site of the intron after coding-DNA position 1310, G replaced by T.
Molecular consequence: splice donor variant.
Genome position (GRCh38, 1-based): chr12:56,178,403, C>A on the plus strand (G>T on the coding strand, the complement: SMARCC2 is on the minus strand). VCF-style: chr12-56178403-C-A. GRCh37 (hg19) VCF-style: chr12-56572187-C-A.
Other names: c.1310+1G>T (NM_003075.5, NM_139067.4, NM_001130420.3).
Identifiers: ClinVar variation 1029506 (VCV001029506.1), dbSNP rs1875450525, ClinGen allele CA385349096.